The following is an entry in ClinVar:

ClinVar aggregate classification (germline): Uncertain significance (1 of 4 stars; one submission).

Allele frequency attached by ClinVar (database versions not stated): ExAC 0.00001; gnomAD 0.00001; gnomAD exomes 0.00001.
gnomAD v4.1: 9 of 1,613,902 alleles (0.00056%); highest among the groups gnomAD compares: African/African-American, 0.0013%; no homozygotes.

Submission:

Labcorp Genetics (formerly Invitae), Labcorp
Classification: Uncertain significance. Last evaluated: 2022-05-15. Review status: criteria provided, single submitter. Criteria: Invitae Variant Classification Sherloc (09022015). Collection method: clinical testing. Allele origin: germline.
Comment: In summary, the available evidence is currently insufficient to determine the role of this variant in disease. Therefore, it has been classified as a Variant of Uncertain Significance. Algorithms developed to predict the effect of missense changes on protein structure and function (SIFT, PolyPhen-2, Align-GVGD) all suggest that this variant is likely to be tolerated. This variant has not been reported in the literature in individuals affected with RFX6-related conditions. This variant is present in population databases (rs533984495, gnomAD 0.002%). This sequence change replaces aspartic acid, which is acidic and polar, with asparagine, which is neutral and polar, at codon 587 of the RFX6 protein (p.Asp587Asn).

NM_173560.4(RFX6):c.1759G>A (p.Asp587Asn)

Genes: RFX6 (regulatory factor X6; plus strand), LOC126859771 (BRD4-independent group 4 enhancer GRCh37_chr6:117246147-117247346; plus strand). Cytogenetic location: 6q22.1.
Variant type: single nucleotide variant.
Coding change: c.1759G>A on transcript NM_173560.4 (MANE Select); coding-DNA position 1759, G replaced by A.
Protein change: p.Asp587Asn; replaces aspartic acid 587 with asparagine.
Molecular consequence: missense variant.
Genome position (GRCh38, 1-based): chr6:116,925,533, G>A. VCF-style: chr6-116925533-G-A. GRCh37 (hg19) VCF-style: chr6-117246696-G-A.
Other names: short protein forms D587N.
Identifiers: ClinVar variation 1994595 (VCV001994595.4), dbSNP rs533984495, ClinGen allele CA3973401.